The following is an entry in ClinVar:

ClinVar aggregate classification (germline): Uncertain significance (1 of 4 stars; one submission).

gnomAD v4.1: 4 of 1,614,082 alleles (0.00025%); highest among the groups gnomAD compares: Non-Finnish European, 0.00034%; no homozygotes.

Submission:

Labcorp Genetics (formerly Invitae), Labcorp
Classification: Uncertain significance. Last evaluated: 2024-08-30. Review status: criteria provided, single submitter. Criteria: Invitae Variant Classification Sherloc (09022015). Collection method: clinical testing. Allele origin: germline.
Comment: This sequence change replaces aspartic acid, which is acidic and polar, with glycine, which is neutral and non-polar, at codon 647 of the REPS1 protein (p.Asp647Gly). This variant is present in population databases (no rsID available, gnomAD 0.007%). This variant has not been reported in the literature in individuals affected with REPS1-related conditions. Invitae Evidence Modeling of protein sequence and biophysical properties (such as structural, functional, and spatial information, amino acid conservation, physicochemical variation, residue mobility, and thermodynamic stability) indicates that this missense variant is not expected to disrupt REPS1 protein function with a negative predictive value of 80%. In summary, the available evidence is currently insufficient to determine the role of this variant in disease. Therefore, it has been classified as a Variant of Uncertain Significance.

NM_001286611.2(REPS1):c.1940A>G (p.Asp647Gly)

Gene: REPS1 (RALBP1 associated Eps domain containing 1; minus strand). Cytogenetic location: 6q24.1.
Variant type: single nucleotide variant.
Coding change: c.1940A>G on transcript NM_001286611.2 (MANE Select); coding-DNA position 1940, A replaced by G.
Protein change: p.Asp647Gly; replaces aspartic acid 647 with glycine.
Molecular consequence: missense variant.
Genome position (GRCh38, 1-based): chr6:138,912,796, T>C on the plus strand (A>G on the coding strand, the complement: REPS1 is on the minus strand). VCF-style: chr6-138912796-T-C. GRCh37 (hg19) VCF-style: chr6-139233933-T-C.
Other names: c.1859A>G, p.Asp620Gly (NM_001128617.3); c.1667A>G, p.Asp556Gly (NM_001286612.2); c.1937A>G, p.Asp646Gly (NM_031922.5); short protein forms D646G, D647G, D556G, D620G.
Identifiers: ClinVar variation 3634775 (VCV003634775.2).